The following is an entry in ClinVar:

NM_001195263.2(PDZD7):c.928+20del

Gene: PDZD7 (PDZ domain containing 7; minus strand). Cytogenetic location: 10q24.31.
Variant type: Deletion.
Coding change: c.928+20del on transcript NM_001195263.2 (MANE Select); 20 bases into the intron after coding-DNA position 928, one base deleted (C; older notation c.928+20delC).
Molecular consequence: intron variant.
Genome position (GRCh38, 1-based): chr10:101,020,598, G deleted on the plus strand (C on the coding strand, the reverse complement: PDZD7 is on the minus strand); the first of 3 consecutive G bases (chr10:101,020,598-101,020,600); deleting any one gives the same sequence. VCF-style (leftmost placement, unchanged base first): chr10-101020597-TG-T. GRCh37 (hg19) VCF-style: chr10-102780354-TG-T.
Other names: c.928+20delC (NM_001195263.1); c.928+20del (NM_024895.5, NM_001351044.2).
Identifiers: ClinVar variation 257618 (VCV000257618.14), dbSNP rs77484072, ClinGen allele CA5654194.
Genomic context (GRCh38, chr10:101,020,597, plus strand): 5'-CCTTTTCTTCTTCAGAGAGCCGGGCCCCACCCTAAGGCCTCAGCCCTTTCCCTCCAACCT[TG>T]GGAGATCTGAGCCACTTACGTCGGTCCAGCCAGCAGTACTCAGAAACCATCTCCTTGTAG-3'

ClinVar aggregate classification (germline): Benign. Review status: criteria provided, multiple submitters, no conflicts (2 of 4 stars). 5 submissions from 4 submitters: Benign (5). Last evaluated 2026-02-04.

Conditions:
Hearing loss, autosomal recessive 57. Also called: DEAFNESS, AUTOSOMAL RECESSIVE 57. Identifiers: MedGen C4693893, MONDO:0033201, OMIM 618003.
Usher syndrome type 2C. Also called: Usher syndrome, type 2B; USHER SYNDROME, TYPE IIC. Identifiers: Orphanet 231178, Orphanet 886, MedGen C2931213, MONDO:0011558, OMIM 605472.

Submissions (5):

Labcorp Genetics (formerly Invitae), Labcorp
Classification: Benign. Last evaluated: 2026-02-04. Review status: criteria provided, single submitter. Criteria: Invitae Variant Classification Sherloc (09022015). Collection method: clinical testing. Allele origin: germline.

Genome-Nilou Lab
Classification: Benign for Hearing loss, autosomal recessive 57. Last evaluated: 2021-09-05. Review status: criteria provided, single submitter. Criteria: ACMG Guidelines, 2015. Collection method: clinical testing. Allele origin: germline. Affected: no.

Genome-Nilou Lab
Classification: Benign for Usher syndrome type 2C. Last evaluated: 2021-09-05. Review status: criteria provided, single submitter. Criteria: ACMG Guidelines, 2015. Collection method: clinical testing. Allele origin: germline. Affected: no.

GeneDx
Classification: Benign. Last evaluated: 2018-06-14. Review status: criteria provided, single submitter. Criteria: GeneDx Variant Classification (06012015). Collection method: clinical testing. Allele origin: germline. Affected: yes.
Comment: This variant is considered likely benign or benign based on one or more of the following criteria: it is a conservative change, it occurs at a poorly conserved position in the protein, it is predicted to be benign by multiple in silico algorithms, and/or has population frequency not consistent with disease.

PreventionGenetics, part of Exact Sciences
Classification: Benign. Review status: criteria provided, single submitter. Criteria: ACMG Guidelines, 2015. Collection method: clinical testing. Allele origin: germline.